The following is an entry in ClinVar:

ClinVar aggregate classification (germline): Pathogenic/Likely pathogenic. Review status: criteria provided, multiple submitters, no conflicts (2 of 4 stars). 5 submissions from 5 submitters: Pathogenic (1); Likely pathogenic (3). 1 of the submissions does not count toward it. Last evaluated 2025-05-30.

Conditions:
CFTR-related disorder (CFTR-RD). Also called: CFTR-related disorders; CFTR-related condition. Identifiers: MedGen C5924204, MONDO:7770004.
Cystic fibrosis (CF). Also called: MUCOVISCIDOSIS. Identifiers: Orphanet 586, MedGen C0010674, MONDO:0009061, OMIM 219700. Disease mechanism: loss of function.

Submissions (5):

Natera, Inc.
Classification: Likely pathogenic for CFTR-related disorders. Last evaluated: 2025-05-30. Review status: criteria provided, single submitter. Criteria: Natera Variant Classification Schema (03/2026). Collection method: clinical testing. Allele origin: germline.
Comment: The c.100_117delTTGTCAGACATATACCAA variant in CFTR is an in-frame deletion. This variant is rare in the general population with a frequency below the threshold expected for the associated phenotype(s). This variant has been observed in one or more individuals affected with the associated recessive disease, as either homozygous or compound heterozygous with a second variant (PMID: 17718859, 31199594). This variant results in a change to the protein length while preserving reading frame, which may disrupt normal protein structure or function. Given the available evidence, this variant is classified as Likely Pathogenic.

Labcorp Genetics (formerly Invitae), Labcorp
Classification: Pathogenic for Cystic fibrosis. Last evaluated: 2021-08-04. Review status: criteria provided, single submitter. Criteria: Invitae Variant Classification Sherloc (09022015). Collection method: clinical testing. Allele origin: germline.
Comment: This variant is also known as 232del18. ClinVar contains an entry for this variant (Variation ID: 53164). This variant has been observed in individual(s) with clinical features of cystic fibrosis (PMID: 17718859, 26500004, 31199594). In at least one individual the data is consistent with the variant being in trans (on the opposite chromosome) from a pathogenic variant. For these reasons, this variant has been classified as Pathogenic. This variant is not present in population databases (ExAC no frequency). This variant, c.100_117del, results in the deletion of 6 amino acid(s) of the CFTR protein (p.Leu34_Gln39del), but otherwise preserves the integrity of the reading frame.

Ambry Genetics
Classification: Likely pathogenic for Cystic fibrosis. Last evaluated: 2021-06-10. Review status: criteria provided, single submitter. Criteria: Ambry Variant Classification Scheme 2023. Collection method: clinical testing. Allele origin: germline.
Comment: The c.100_117del18 variant (also known as p.L34_Q39del) is located in coding exon 2 of the CFTR gene. This variant results from an in-frame TTGTCAGACATATACCAA deletion at nucleotide positions 100 to 117. This results in the in-frame deletion of six amino acids between codons 34 and 39. This alteration has been identified in multiple individuals with suspected Cystic Fibrosis, however, further details were not provided (Pepermans X et al. Clin Biochem, 2016 Jan;49:154-60; Cambraia A et al. Dis Markers, 2021 Feb;2021:9812074). Additionally, this alteration was identified in two individuals with Cystic Fibrosis based on positive sweat tests and pancreatic insufficiency. Both individuals also carried F508del, one confirmed in trans (Faucz FR et al. Clin Genet, 2007 Sep;72:218-23; Martins RDS et al. Mol Genet Genomic Med, 2019 07;7:e00645). This amino acid region is highly conserved in available vertebrate species. This variant is considered to be rare based on population cohorts in the Genome Aggregation Database (gnomAD). In addition, this alteration is predicted to be deleterious by in silico analysis (Choi Y et al. PLoS ONE. 2012; 7(10):e46688). Based on the majority of available evidence to date, this variant is likely to be pathogenic.

Mendelics
Classification: Likely pathogenic for Cystic fibrosis. Last evaluated: 2018-11-05. Review status: criteria provided, single submitter. Criteria: Mendelics Assertion Criteria 2017. Collection method: clinical testing. Allele origin: unknown. Affected: yes.

ClinVar Staff, National Center for Biotechnology Information (NCBI)
No classification provided. Condition: CFTR-related disorders. Review status: no classification provided. Collection method: literature only. Allele origin: germline. Affected: yes. Not counted in ClinVar's aggregate classification.

Literature cited by the submitters: PubMed 17718859 (cited by 4 submitters); PubMed 31199594 (cited by 3 submitters); PubMed 26500004 (cited by Labcorp Genetics (formerly Invitae), Labcorp and Ambry Genetics); PubMed 33613790 (cited by Ambry Genetics).

NM_000492.4(CFTR):c.100_117del (p.Leu34_Gln39del)

Gene: CFTR (CF transmembrane conductance regulator; plus strand). Cytogenetic location: 7q31.2.
Variant type: Deletion.
Coding change: c.100_117del on transcript NM_000492.4 (MANE Select); coding-DNA positions 100 to 117, 18 bases deleted (TTGTCAGACATATACCAA).
Protein change: p.Leu34_Gln39del.
Molecular consequence: inframe deletion.
Genome position (GRCh38, 1-based): chr7:117,504,299-117,504,316, TTGTCAGACATATACCAA deleted; deleting any 18 consecutive bases within chr7:117,504,297-117,504,316 gives the same sequence; the c. name uses the placement nearest the transcript's 3' end. VCF-style (leftmost placement, unchanged base first): chr7-117504296-GAATTGTCAGACATATACC-G. GRCh37 (hg19) VCF-style: chr7-117144350-GAATTGTCAGACATATACC-G.
Other names: c.100_117delTTGTCAGACATATACCAA (NM_000492.3).
Identifiers: ClinVar variation 53164 (VCV000053164.10), dbSNP rs397508141, ClinGen allele CA326365.
Genomic context (GRCh38, chr7:117,504,296, plus strand): 5'-TCCTCTCTTTATTTTAGCTGGACCAGACCAATTTTGAGGAAAGGATACAGACAGCGCCTG[GAATTGTCAGACATATACC>G]AAATCCCTTCTGTTGATTCTGCTGACAATCTATCTGAAAAATTGGAAAGGTATGTTCATG-3'